The following is an entry in ClinVar:

NM_006521.6(TFE3):c.248A>T (p.Gln83Leu)

Gene: TFE3 (transcription factor binding to IGHM enhancer 3; minus strand). Cytogenetic location: Xp11.23.
Variant type: single nucleotide variant.
Coding change: c.248A>T on transcript NM_006521.6 (MANE Select); coding-DNA position 248, A replaced by T.
Protein change: p.Gln83Leu; replaces glutamine 83 with leucine.
Molecular consequence: missense variant. On other transcripts: intron variant (1).
Genome position (GRCh38, 1-based): chrX:49,039,393, T>A on the plus strand (A>T on the coding strand, the complement: TFE3 is on the minus strand). VCF-style: chrX-49039393-T-A. GRCh37 (hg19) VCF-style: chrX-48896918-T-A.
Other names: c.-20-48A>T (NM_001282142.2); short protein forms Q83L.
Identifiers: ClinVar variation 4278510 (VCV004278510.1).

ClinVar aggregate classification (germline): Uncertain significance (1 of 4 stars; one submission).

Submission:

GeneDx
Classification: Uncertain significance. Last evaluated: 2025-04-03. Review status: criteria provided, single submitter. Criteria: GeneDx Variant Classification Process June 2021. Collection method: clinical testing. Allele origin: germline. Affected: yes.
Comment: Not observed at significant frequency in large population cohorts (gnomAD); In silico analysis indicates that this missense variant does not alter protein structure/function; Has not been previously published as pathogenic or benign to our knowledge